The following is an entry in ClinVar:

ClinVar aggregate classification (germline): Pathogenic (1 of 4 stars; one submission).

Conditions:
Early-infantile DEE. Also called: Ohtahara syndrome; Early infantile epileptic encephalopathy with suppression bursts; Early infantile epileptic encephalopathy. Identifiers: Orphanet 1934, MedGen C0393706, MONDO:0800491.

Submission:

Labcorp Genetics (formerly Invitae), Labcorp
Classification: Pathogenic for Early-infantile DEE. Last evaluated: 2023-12-11. Review status: criteria provided, single submitter. Criteria: Invitae Variant Classification Sherloc (09022015). Collection method: clinical testing. Allele origin: germline.
Comment: This sequence change creates a premature translational stop signal (p.Val977Trpfs*3) in the SCN1A gene. It is expected to result in an absent or disrupted protein product. Loss-of-function variants in SCN1A are known to be pathogenic (PMID: 17347258, 18930999). This variant is not present in population databases (gnomAD no frequency). This variant has not been reported in the literature in individuals affected with SCN1A-related conditions. For these reasons, this variant has been classified as Pathogenic.

Literature cited by the submitters: PubMed 17347258; PubMed 18930999.

NM_001165963.4(SCN1A):c.2929_2944del (p.Val977fs)

Gene: SCN1A (sodium voltage-gated channel alpha subunit 1; minus strand). Cytogenetic location: 2q24.3.
Variant type: Deletion.
Coding change: c.2929_2944del on transcript NM_001165963.4 (MANE Select); coding-DNA positions 2929 to 2944, 16 bases deleted (GTGATTGGAAACCTAG).
Protein change: p.Val977fs; shifts the reading frame from valine 977.
Molecular consequence: frameshift variant. On other transcripts: non-coding transcript variant (1).
Genome position (GRCh38, 1-based): chr2:166,037,778-166,037,793, CTAGGTTTCCAATCAC deleted on the plus strand (GTGATTGGAAACCTAG on the coding strand, the reverse complement: SCN1A is on the minus strand); deleting any 16 consecutive bases within chr2:166,037,778-166,037,794 gives the same sequence; the c. name uses the placement nearest the transcript's 3' end. VCF-style (leftmost placement, unchanged base first): chr2-166037777-ACTAGGTTTCCAATCAC-A. GRCh37 (hg19) VCF-style: chr2-166894287-ACTAGGTTTCCAATCAC-A.
Other names: c.2845_2860del, p.Val949fs (NM_001165964.3, NM_001353957.2, NM_001353958.2); c.2929_2944del, p.Val977fs (NM_001202435.3, NM_001353948.2); c.2896_2911del, p.Val966fs (NM_001353949.2, NM_001353950.2, NM_001353951.2 and 2 more transcripts); c.2893_2908del, p.Val965fs (NM_001353954.2, NM_001353955.2); c.2842_2857del, p.Val948fs (NM_001353960.2); c.487_502del, p.Val163fs (NM_001353961.2); short protein forms V163fs, V948fs, V966fs, V949fs, V965fs, V977fs.
Identifiers: ClinVar variation 2702201 (VCV002702201.3), dbSNP rs2468093812, ClinGen allele CA2697551222.
Genomic context (GRCh38, chr2:166,037,777, plus strand): 5'-ATGTATACATGTGCCATGCTGGTGTATTTCCAAAATGCATATCTTAAGTGGGTACATACC[ACTAGGTTTCCAATCAC>A]CATGACCATCATGAAGACAGTAAGGCACATGGCTTGACCAGCAACCTCCATACAGTCCCA-3'